The following is an entry in ClinVar:

NM_000284.4(PDHA1):c.581A>G (p.Tyr194Cys)

Gene: PDHA1 (pyruvate dehydrogenase E1 subunit alpha 1; plus strand). Cytogenetic location: Xp22.12.
Variant type: single nucleotide variant.
Coding change: c.581A>G on transcript NM_000284.4 (MANE Select); coding-DNA position 581, A replaced by G.
Protein change: p.Tyr194Cys; replaces tyrosine 194 with cysteine.
Molecular consequence: missense variant. On other transcripts: intron variant (1).
Genome position (GRCh38, 1-based): chrX:19,354,561, A>G. VCF-style: chrX-19354561-A-G. GRCh37 (hg19) VCF-style: chrX-19372679-A-G.
Other names: c.695A>G, p.Tyr232Cys (NM_001173454.2); c.602A>G, p.Tyr201Cys (NM_001173455.2); c.511-788A>G (NM_001173456.2); short protein forms Y194C, Y201C, Y232C.
Identifiers: ClinVar variation 4280051 (VCV004280051.1).

ClinVar aggregate classification (germline): Uncertain significance (1 of 4 stars; one submission).

Conditions:
Pyruvate dehydrogenase E1-alpha deficiency (PDHAD). Also called: ATAXIA, INTERMITTENT, WITH PYRUVATE DEHYDROGENASE DEFICIENCY; ATAXIA WITH LACTIC ACIDOSIS I; ATAXIA, INTERMITTENT, WITH ABNORMAL PYRUVATE METABOLISM; Ataxia, intermittent, with pyruvate dehydrogenase, or decarboxylase, deficiency. Identifiers: Orphanet 79243, MedGen C1839413, MONDO:0010717, OMIM 312170.

Submission:

Johns Hopkins Genomics, Johns Hopkins University
Classification: Uncertain significance for Pyruvate dehydrogenase E1-alpha deficiency. Last evaluated: 2024-06-23. Review status: criteria provided, single submitter. Criteria: ACMG Guidelines, 2015. Collection method: clinical testing. Allele origin: germline.
Comment: This PDHA1 variant is absent from a large population dataset and has not been reported in ClinVar nor the literature, to our knowledge. Bioinformatic analysis predicts that this substitution (p.Tyr194Cys) would be damaging (REVEL: 0.915), and the tyrosine residue at this position is strongly conserved across the vertebrate species assessed9. It is located adjacent to the thiamine pyrophosphate (TPP) binding motif in the pyruvate dehydrogenase enzyme where other pathogenic missense variants have been reported. This variant is not predicted to affect normal exon 6 of 11 splicing, although this has not been confirmed experimentally to our knowledge. Due to insufficient evidence that this variant is deleterious, we consider the clinical significance of c.581A>G to be uncertain at this time.

Literature cited by the submitters: PubMed 10679936; PubMed 21914562; PubMed 34138529; PubMed 35038180.